The following is an entry in ClinVar:

ClinVar aggregate classification (germline): Conflicting classifications of pathogenicity. Review status: criteria provided, conflicting classifications (1 of 4 stars). 4 submissions from 4 submitters: Uncertain significance (2); Benign (1). 1 of the submissions does not count toward it. Last evaluated 2026-01-20.

Conditions:
TRIP11-related disorder. Also called: TRIP11-Related Disorders; TRIP11-related condition.
Achondrogenesis, type IA (ACG1A). Identifiers: Orphanet 932, Orphanet 93299, MedGen C0265273, MONDO:0008701, OMIM 200600.
Inborn genetic diseases. Identifiers: MedGen C0950123, MeSH D030342.

Allele frequency attached by ClinVar (database versions not stated): ESP Exome Variant Server 0.00015; 1000 Genomes Project 30x 0.00016; gnomAD 0.00019; TOPMed 0.00024; gnomAD exomes 0.00028 and 0.00066; ExAC 0.00053.
gnomAD v4.1: 507 of 1,613,836 alleles (0.031%); highest among the groups gnomAD compares: South Asian, 0.14%; 1 homozygote.

Submissions (4):

Labcorp Genetics (formerly Invitae), Labcorp
Classification: Benign for Achondrogenesis, type IA. Last evaluated: 2026-01-20. Review status: criteria provided, single submitter. Criteria: Invitae Variant Classification Sherloc (09022015). Collection method: clinical testing. Allele origin: germline.

Ambry Genetics
Classification: Uncertain significance for Inborn genetic diseases. Last evaluated: 2023-02-06. Review status: criteria provided, single submitter. Criteria: Ambry Variant Classification Scheme 2023. Collection method: clinical testing. Allele origin: germline.

Illumina Laboratory Services, Illumina
Classification: Uncertain significance for Achondrogenesis, type IA. Last evaluated: 2018-01-12. Review status: criteria provided, single submitter. Criteria: ICSL Variant Classification Criteria 13 December 2019. Collection method: clinical testing. Allele origin: germline.

PreventionGenetics, part of Exact Sciences
Classification: Likely benign for TRIP11-related condition. Last evaluated: 2023-06-27. Review status: no assertion criteria provided. Collection method: clinical testing. Allele origin: germline. Not counted in ClinVar's aggregate classification.
Comment: This variant is classified as likely benign based on ACMG/AMP sequence variant interpretation guidelines (Richards et al. 2015 PMID: 25741868, with internal and published modifications).

NM_004239.4(TRIP11):c.3100C>T (p.Leu1034Phe)

Gene: TRIP11 (thyroid hormone receptor interactor 11; minus strand). Cytogenetic location: 14q32.12.
Variant type: single nucleotide variant.
Coding change: c.3100C>T on transcript NM_004239.4 (MANE Select); coding-DNA position 3100, C replaced by T.
Protein change: p.Leu1034Phe; replaces leucine 1034 with phenylalanine.
Molecular consequence: missense variant.
Genome position (GRCh38, 1-based): chr14:92,004,876, G>A on the plus strand (C>T on the coding strand, the complement: TRIP11 is on the minus strand). VCF-style: chr14-92004876-G-A. GRCh37 (hg19) VCF-style: chr14-92471220-G-A.
Other names: c.3097C>T, p.Leu1033Phe (NM_001321851.1); short protein forms L1034F, L1033F.
Identifiers: ClinVar variation 314951 (VCV000314951.17), dbSNP rs200739251, ClinGen allele CA7313685.
Genomic context (GRCh38, chr14:92,004,876, plus strand): 5'-CTTCATCTTTGGACAACTGATCAATCTGTTTAGTTAAAGATATATTCTTTTCATTTAGAA[G>A]TTTAATCTCCAGTTCTCGCTCTTTTATTCCTTTCACTAATCTTTCCGTTTCAGCTTTAGA-3'
Protein context (NP_004230.2, residues 1024-1044): GIKERELEIK[Leu1034Phe]LNEKNISLTK